The following is an entry in ClinVar:

NM_000718.4(CACNA1B):c.2527G>A (p.Glu843Lys)

Gene: CACNA1B (calcium voltage-gated channel subunit alpha1 B; plus strand). Cytogenetic location: 9q34.3.
Variant type: single nucleotide variant.
Coding change: c.2527G>A on transcript NM_000718.4 (MANE Select); coding-DNA position 2527, G replaced by A.
Protein change: p.Glu843Lys; replaces glutamic acid 843 with lysine.
Molecular consequence: missense variant.
Genome position (GRCh38, 1-based): chr9:138,023,270, G>A. VCF-style: chr9-138023270-G-A. GRCh37 (hg19) VCF-style: chr9-140917722-G-A.
Other names: c.2527G>A, p.Glu843Lys (NM_001243812.2); short protein forms E843K.
Identifiers: ClinVar variation 1905105 (VCV001905105.5), dbSNP rs1001291580, ClinGen allele CA375809574.
Genomic context (GRCh38, chr9:138,023,270, plus strand): 5'-CGCGACGGCGCGCGGGGGCCCGTGGGAGGCAAAGCCCGACCTGAGGCTGCGGAGGCCCCC[G>A]AGGGCGTCGACCCTCCGCGCAGGCACCACCGGCACCGCGACAAGGACAAGACCCCCGCGG-3'
Protein context (NP_000709.1, residues 833-853): KARPEAAEAP[Glu843Lys]GVDPPRRHHR

ClinVar aggregate classification (germline): Uncertain significance (1 of 4 stars; one submission).

Submission:

Labcorp Genetics (formerly Invitae), Labcorp
Classification: Uncertain significance. Last evaluated: 2022-08-20. Review status: criteria provided, single submitter. Criteria: Invitae Variant Classification Sherloc (09022015). Collection method: clinical testing. Allele origin: germline.
Comment: Advanced modeling of protein sequence and biophysical properties (such as structural, functional, and spatial information, amino acid conservation, physicochemical variation, residue mobility, and thermodynamic stability) performed at Invitae indicates that this missense variant is not expected to disrupt CACNA1B protein function. This variant has not been reported in the literature in individuals affected with CACNA1B-related conditions. The frequency data for this variant in the population databases is considered unreliable, as metrics indicate poor data quality at this position in the gnomAD database. This sequence change replaces glutamic acid, which is acidic and polar, with lysine, which is basic and polar, at codon 843 of the CACNA1B protein (p.Glu843Lys). In summary, the available evidence is currently insufficient to determine the role of this variant in disease. Therefore, it has been classified as a Variant of Uncertain Significance.